The following is an entry in ClinVar:

NM_015076.5(CDK19):c.16A>C (p.Lys6Gln)

Genes: AMD1 (adenosylmethionine decarboxylase 1; plus strand), CDK19 (cyclin dependent kinase 19; minus strand). Cytogenetic location: 6q21.
Variant type: single nucleotide variant.
Coding change: c.16A>C on transcript NM_015076.5 (MANE Select); coding-DNA position 16, A replaced by C.
Protein change: p.Lys6Gln; replaces lysine 6 with glutamine.
Molecular consequence: missense variant. On other transcripts: intron variant (3).
Genome position (GRCh38, 1-based): chr6:110,815,121, T>G on the plus strand (A>C on the coding strand, the complement: CDK19 is on the minus strand). VCF-style: chr6-110815121-T-G. GRCh37 (hg19) VCF-style: chr6-111136324-T-G.
Other names: c.16A>C, p.Lys6Gln (NM_001300960.2); c.-53+687A>C (NM_001300964.2); c.-115+450A>C (NM_001300963.2); c.-98+306T>G (NM_001287215.2); short protein forms K6Q.
Identifiers: ClinVar variation 3774132 (VCV003774132.1).

ClinVar aggregate classification (germline): Uncertain significance (1 of 4 stars; one submission).

Submission:

GeneDx
Classification: Uncertain significance. Last evaluated: 2024-09-20. Review status: criteria provided, single submitter. Criteria: GeneDx Variant Classification Process June 2021. Collection method: clinical testing. Allele origin: germline. Affected: yes.
Comment: Not observed at significant frequency in large population cohorts (gnomAD); In silico analysis indicates that this missense variant does not alter protein structure/function; Has not been previously published as pathogenic or benign to our knowledge